The following is an entry in ClinVar:

NM_000179.3(MSH6):c.2071C>G (p.Leu691Val)

Gene: MSH6 (mutS homolog 6; plus strand). Cytogenetic location: 2p16.3.
Variant type: single nucleotide variant.
Coding change: c.2071C>G on transcript NM_000179.3 (MANE Select); coding-DNA position 2071, C replaced by G.
Protein change: p.Leu691Val; replaces leucine 691 with valine.
Molecular consequence: missense variant.
Genome position (GRCh38, 1-based): chr2:47,800,054, C>G. VCF-style: chr2-47800054-C-G. GRCh37 (hg19) VCF-style: chr2-48027193-C-G.
Other names: c.1681C>G, p.Leu561Val (NM_001281492.2); c.1165C>G, p.Leu389Val (NM_001281493.2, NM_001281494.2, NM_001406811.1 and 6 more transcripts); c.2167C>G, p.Leu723Val (NM_001406795.1, NM_001406802.1); c.2071C>G, p.Leu691Val (NM_001406796.1, NM_001406798.1, NM_001406800.1 and 3 more transcripts); c.1774C>G, p.Leu592Val (NM_001406797.1, NM_001406801.1, NM_001406805.1 and 10 more transcripts); c.1546C>G, p.Leu516Val (NM_001406799.1, NM_001406806.1, NM_001406807.1); c.1993C>G, p.Leu665Val (NM_001406804.1); c.2077C>G, p.Leu693Val (NM_001406813.1); and 1 more; short protein forms L516V, L561V, L665V, L691V, L723V, L389V, L592V, L693V.
Identifiers: ClinVar variation 1785399 (VCV001785399.10), dbSNP rs765224443, ClinGen allele CA346750799.
Genomic context (GRCh38, chr2:47,800,054, plus strand): 5'-TTGACACCAGGAGAGAAAAGTGAATTGGCCCTCTCTGCTCTAGGTGGTTGTGTCTTCTAC[C>G]TCAAAAAATGCCTTATTGATCAGGAGCTTTTATCAATGGCTAATTTTGAAGAATATATTC-3'
Protein context (NP_000170.1, residues 681-701): LSALGGCVFY[Leu691Val]KKCLIDQELL

ClinVar aggregate classification (germline): Uncertain significance. Review status: criteria provided, multiple submitters, no conflicts (2 of 4 stars). 3 submissions from 3 submitters: Uncertain significance (3). Last evaluated 2025-05-01.

Conditions:
Hereditary nonpolyposis colorectal neoplasms. Identifiers: MedGen C0009405, MeSH D003123.
Hereditary cancer-predisposing syndrome. Also called: Neoplastic Syndromes, Hereditary; Tumor predisposition; Hereditary Cancer Syndrome; Hereditary neoplastic syndrome. Identifiers: Orphanet 140162, MedGen C0027672, MeSH D009386, MONDO:0015356.

Submissions (3):

Ambry Genetics
Classification: Uncertain significance for Hereditary cancer-predisposing syndrome. Last evaluated: 2025-05-01. Review status: criteria provided, single submitter. Criteria: Ambry Variant Classification Scheme 2023. Collection method: clinical testing. Allele origin: germline.
Comment: The p.L691V variant (also known as c.2071C>G), located in coding exon 4 of the MSH6 gene, results from a C to G substitution at nucleotide position 2071. The leucine at codon 691 is replaced by valine, an amino acid with highly similar properties. This amino acid position is highly conserved in available vertebrate species. In addition, this alteration is predicted to be deleterious by in silico analysis. Based on the available evidence, the clinical significance of this variant remains unclear.

Color Diagnostics, LLC DBA Color Health
Classification: Uncertain significance for Hereditary cancer-predisposing syndrome. Last evaluated: 2024-03-06. Review status: criteria provided, single submitter. Criteria: ACMG Guidelines, 2015. Collection method: clinical testing. Allele origin: germline.
Comment: This missense variant replaces leucine with valine at codon 691 of the MSH6 protein. Computational prediction suggests that this variant may have deleterious impact on protein structure and function (internally defined REVEL score threshold >= 0.7, PMID: 27666373). To our knowledge, functional studies have not been reported for this variant. This variant has not been reported in individuals affected with hereditary cancer in the literature. This variant has not been identified in the general population by the Genome Aggregation Database (gnomAD). The available evidence is insufficient to determine the role of this variant in disease conclusively. Therefore, this variant is classified as a Variant of Uncertain Significance.

Labcorp Genetics (formerly Invitae), Labcorp
Classification: Uncertain significance for Hereditary nonpolyposis colorectal neoplasms. Last evaluated: 2022-03-26. Review status: criteria provided, single submitter. Criteria: Invitae Variant Classification Sherloc (09022015). Collection method: clinical testing. Allele origin: germline.
Comment: This sequence change replaces leucine, which is neutral and non-polar, with valine, which is neutral and non-polar, at codon 691 of the MSH6 protein (p.Leu691Val). In summary, the available evidence is currently insufficient to determine the role of this variant in disease. Therefore, it has been classified as a Variant of Uncertain Significance. Advanced modeling of protein sequence and biophysical properties (such as structural, functional, and spatial information, amino acid conservation, physicochemical variation, residue mobility, and thermodynamic stability) performed at Invitae indicates that this missense variant is expected to disrupt MSH6 protein function. This variant has not been reported in the literature in individuals affected with MSH6-related conditions. This variant is not present in population databases (gnomAD no frequency).